The following is an entry in ClinVar:

NM_000312.4(PROC):c.1207G>A (p.Gly403Arg)

Gene: PROC (protein C, inactivator of coagulation factors Va and VIIIa; plus strand). Cytogenetic location: 2q14.3.
Variant type: single nucleotide variant.
Coding change: c.1207G>A on transcript NM_000312.4 (MANE Select); coding-DNA position 1207, G replaced by A.
Protein change: p.Gly403Arg; replaces glycine 403 with arginine.
Molecular consequence: missense variant.
Genome position (GRCh38, 1-based): chr2:127,428,767, G>A. VCF-style: chr2-127428767-G-A. GRCh37 (hg19) VCF-style: chr2-128186343-G-A.
Other names: p.Gly403Arg; c.1390G>A, p.Gly464Arg (NM_001375602.1); c.1372G>A, p.Gly458Arg (NM_001375603.1); c.1270G>A, p.Gly424Arg (NM_001375604.1); c.1309G>A, p.Gly437Arg (NM_001375605.1); c.1375G>A, p.Gly459Arg (NM_001375606.1); c.1393G>A, p.Gly465Arg (NM_001375607.1); c.1150G>A, p.Gly384Arg (NM_001375608.1); and 3 more; short protein forms G384R, G395R, G401R, G403R, G424R, G437R, G458R, G459R.
Identifiers: ClinVar variation 2577707 (VCV002577707.2), dbSNP rs1442363621, ClinGen allele CA348406260.

ClinVar aggregate classification (germline): Conflicting classifications of pathogenicity. Review status: criteria provided, conflicting classifications (1 of 4 stars). 2 submissions from 2 submitters: Likely pathogenic (1); Uncertain significance (1). Last evaluated 2024-04-25.

Submissions (2):

Mayo Clinic Laboratories, Mayo Clinic
Classification: Likely pathogenic. Last evaluated: 2024-04-25. Review status: criteria provided, single submitter. Criteria: ACMG Guidelines, 2015. Collection method: clinical testing. Allele origin: germline. Observed: 1 variant allele.
Comment: PP3, PM1_supporting, PM2_moderate, PS4_moderate

GeneDx
Classification: Uncertain significance. Last evaluated: 2023-02-22. Review status: criteria provided, single submitter. Criteria: GeneDx Variant Classification Process June 2021. Collection method: clinical testing. Allele origin: germline. Affected: yes.
Comment: Identified in three individuals suspected of having inherited protein C deficiency (Alhenc-Gelas et al., 2020); Not observed at significant frequency in large population cohorts (gnomAD); In silico analysis supports that this missense variant has a deleterious effect on protein structure/function; This variant is associated with the following publications: (PMID: 32717757)

Literature cited by the submitters: PubMed 32717757 (cited by Mayo Clinic Laboratories, Mayo Clinic); PubMed 38015884 (cited by Mayo Clinic Laboratories, Mayo Clinic); PubMed 7670104 (cited by Mayo Clinic Laboratories, Mayo Clinic).